The following is an entry in ClinVar:

NM_001080414.4(CCDC88C):c.3486_3489del (p.Ala1163fs)

Gene: CCDC88C (coiled-coil and HOOK domain protein 88C; minus strand). Cytogenetic location: 14q32.11.
Variant type: Deletion.
Coding change: c.3486_3489del on transcript NM_001080414.4 (MANE Select); coding-DNA positions 3486 to 3489, 4 bases deleted (GGCC; older notation c.3486_3489delGGCC).
Protein change: p.Ala1163fs; shifts the reading frame from alanine 1163.
Molecular consequence: frameshift variant. On other transcripts: non-coding transcript variant (2).
Genome position (GRCh38, 1-based): chr14:91,303,847-91,303,850, GGCC deleted on the plus strand (GGCC on the coding strand, the reverse complement: CCDC88C is on the minus strand); deleting any 4 consecutive bases within chr14:91,303,847-91,303,851 gives the same sequence; the c. name uses the placement nearest the transcript's 3' end. VCF-style (leftmost placement, unchanged base first): chr14-91303846-AGGCC-A. GRCh37 (hg19) VCF-style: chr14-91770190-AGGCC-A.
Other names: short protein forms A1163fs.
Identifiers: ClinVar variation 5015915 (VCV005015915.1).

ClinVar aggregate classification (germline): Pathogenic (1 of 4 stars; one submission).

Conditions:
Hydrocephalus, nonsyndromic, autosomal recessive 1 (HYC1). Also called: Hydrocephalus, nonsyndromic, autosomal recessive; Congenital hydrocephalus 1. Identifiers: Orphanet 2185, MedGen C3887608, MONDO:0009360, OMIM 236600.

Submission:

Myriad Genetics, Inc.
Classification: Pathogenic for Hydrocephalus, nonsyndromic, autosomal recessive 1. Last evaluated: 2026-05-15. Review status: criteria provided, single submitter. Criteria: Myriad Autosomal Dominant, Autosomal Recessive and X-Linked Classification Criteria (2023). Collection method: clinical testing. Allele origin: unknown.
Comment: NM_001080414.3(CCDC88C):c.3486_3489delGGCC(A1163Tfs*32) is expected to be pathogenic in the context of congenital hydrocephalus, CCDC88C-related. This variant is predicted to lead to an abnormal or absent protein product due to the creation of a premature termination codon in CCDC88C, a gene where loss-of-function variants are known to be pathogenic. Please note: this variant was assessed in the context of healthy population screening.